The following is an entry in ClinVar:

NM_014974.3(DIP2C):c.2042A>G (p.His681Arg)

Gene: DIP2C (DIP2 acetate--CoA ligase C (putative); minus strand). Cytogenetic location: 10p15.3.
Variant type: single nucleotide variant.
Coding change: c.2042A>G on transcript NM_014974.3 (MANE Select); coding-DNA position 2042, A replaced by G.
Protein change: p.His681Arg; replaces histidine 681 with arginine.
Molecular consequence: missense variant.
Genome position (GRCh38, 1-based): chr10:369,583, T>C on the plus strand (A>G on the coding strand, the complement: DIP2C is on the minus strand). VCF-style: chr10-369583-T-C. GRCh37 (hg19) VCF-style: chr10-415523-T-C.
Other names: short protein forms H681R.
Identifiers: ClinVar variation 3669711 (VCV003669711.2).
Genomic context (GRCh38, chr10:369,583, plus strand): 5'-ACGGTGAGCACGGACAGCTTCTCTTCCGAGTCCACACGAATGACCCCATAGGTCAGTCCA[T>C]GCATGGAGAGGACACCCCGGCCCGGGGGCTGGTTACTGTCATCCGTGGGCCTGTAATGAC-3'
Protein context (NP_055789.1, residues 671-691): QPPGRGVLSM[His681Arg]GLTYGVIRVD

ClinVar aggregate classification (germline): Uncertain significance (1 of 4 stars; one submission).

gnomAD v4.1: 3 of 1,612,872 alleles (0.00019%); highest among the groups gnomAD compares: African/African-American, 0.0027%; no homozygotes.

Submission:

Labcorp Genetics (formerly Invitae), Labcorp
Classification: Uncertain significance. Last evaluated: 2024-07-31. Review status: criteria provided, single submitter. Criteria: Invitae Variant Classification Sherloc (09022015). Collection method: clinical testing. Allele origin: germline.
Comment: This sequence change replaces histidine, which is basic and polar, with arginine, which is basic and polar, at codon 681 of the DIP2C protein (p.His681Arg). This variant is present in population databases (no rsID available, gnomAD 0.004%). This variant has not been reported in the literature in individuals affected with DIP2C-related conditions. An algorithm developed to predict the effect of missense changes on protein structure and function (PolyPhen-2) suggests that this variant is likely to be tolerated. In summary, the available evidence is currently insufficient to determine the role of this variant in disease. Therefore, it has been classified as a Variant of Uncertain Significance.